The following is an entry in ClinVar:

ClinVar aggregate classification (germline): Uncertain significance (1 of 4 stars; one submission).

gnomAD v4.1: 1 of 1,192,754 alleles (0.000084%); highest among the groups gnomAD compares: Non-Finnish European, 0.00011%; no homozygotes.

Submission:

Labcorp Genetics (formerly Invitae), Labcorp
Classification: Uncertain significance. Last evaluated: 2025-07-10. Review status: criteria provided, single submitter. Criteria: Invitae Variant Classification Sherloc (09022015). Collection method: clinical testing. Allele origin: germline.
Comment: This sequence change affects an acceptor splice site in intron 4 of the IFT57 gene. It is expected to disrupt RNA splicing. Variants that disrupt the donor or acceptor splice site typically lead to a loss of protein function (PMID: 16199547), however the current clinical and genetic evidence is not sufficient to establish whether loss-of-function variants in IFT57 cause disease. This variant is not present in population databases (gnomAD no frequency). This variant has not been reported in the literature in individuals affected with IFT57-related conditions. ClinVar contains an entry for this variant (Variation ID: 3676297). Algorithms developed to predict the effect of sequence changes on RNA splicing suggest that this variant may disrupt the consensus splice site. In summary, the available evidence is currently insufficient to determine the role of this variant in disease. Therefore, it has been classified as a Variant of Uncertain Significance.

Literature cited by the submitters: PubMed 16199547.

NM_018010.4(IFT57):c.586-2A>G

Gene: IFT57 (intraflagellar transport 57; minus strand). Cytogenetic location: 3q13.13.
Variant type: single nucleotide variant.
Coding change: c.586-2A>G on transcript NM_018010.4 (MANE Select); the canonical splice acceptor site of the intron before coding-DNA position 586, A replaced by G.
Molecular consequence: splice acceptor variant.
Genome position (GRCh38, 1-based): chr3:108,206,698, T>C on the plus strand (A>G on the coding strand, the complement: IFT57 is on the minus strand). VCF-style: chr3-108206698-T-C. GRCh37 (hg19) VCF-style: chr3-107925545-T-C.
Identifiers: ClinVar variation 3676297 (VCV003676297.2).